The following is an entry in ClinVar:

NM_015100.4(POGZ):c.772A>G (p.Thr258Ala)

Gene: POGZ (pogo transposable element derived with ZNF domain; minus strand). Cytogenetic location: 1q21.3.
Variant type: single nucleotide variant.
Coding change: c.772A>G on transcript NM_015100.4 (MANE Select); coding-DNA position 772, A replaced by G.
Protein change: p.Thr258Ala; replaces threonine 258 with alanine.
Molecular consequence: missense variant.
Genome position (GRCh38, 1-based): chr1:151,428,210, T>C on the plus strand (A>G on the coding strand, the complement: POGZ is on the minus strand). VCF-style: chr1-151428210-T-C. GRCh37 (hg19) VCF-style: chr1-151400686-T-C.
Other names: c.772A>G, p.Thr258Ala (NM_001194937.2); c.613A>G, p.Thr205Ala (NM_001194938.2, NM_207171.2); c.793A>G, p.Thr265Ala (NM_001410860.1); c.487A>G, p.Thr163Ala (NM_145796.4); short protein forms T205A, T258A, T163A, T265A.
Identifiers: ClinVar variation 2393001 (VCV002393001.3), dbSNP rs201294539, ClinGen allele CA1091567.
Genomic context (GRCh38, chr1:151,428,210, plus strand): 5'-ACTGGCCTGGAGACTGAACAGCTAGTTGCCCCAGTGAGGTTGGCTGTGTGGCAGTGGGAG[T>C]GGTAGAAGTGCTGGGAGTGGACTTGGTCTGCTGGGACTGGGACTGTGGGACGGTGCTTCG-3'
Protein context (NP_055915.2, residues 248-268): QTKSTPSTST[Thr258Ala]PTATQPTSLG

ClinVar aggregate classification (germline): Conflicting classifications of pathogenicity. Review status: criteria provided, conflicting classifications (1 of 4 stars). 2 submissions from 2 submitters: Uncertain significance (1); Likely benign (1). Last evaluated 2025-10-15.

Conditions:
Inborn genetic diseases. Identifiers: MedGen C0950123, MeSH D030342.

Allele frequency attached by ClinVar (database versions not stated): ExAC 0.00001; gnomAD 0.00002; TOPMed 0.00002; gnomAD exomes 0.00003.
gnomAD v4.1: 42 of 1,613,512 alleles (0.0026%); highest among the groups gnomAD compares: Non-Finnish European, 0.0035%; no homozygotes.

Submissions (2):

Women's Health and Genetics/Laboratory Corporation of America, LabCorp
Classification: Uncertain significance. Last evaluated: 2025-10-15. Review status: criteria provided, single submitter. Criteria: LabCorp Variant Classification Summary - May 2015. Collection method: clinical testing. Allele origin: germline.
Comment: Variant summary: POGZ c.772A>G (p.Thr258Ala) results in a non-conservative amino acid change in the encoded protein sequence. Algorithms developed to predict the effect of missense changes on protein structure and function all suggest that this variant is likely to be disruptive. The variant allele was found at a frequency of 1.2e-05 in 251306 control chromosomes. The available data on variant occurrences in the general population are insufficient to allow any conclusion about variant significance. To our knowledge, no occurrence of c.772A>G in individuals affected with POGZ-related conditions and no experimental evidence demonstrating its impact on protein function have been reported. ClinVar contains an entry for this variant (Variation ID: 2393001). Based on the evidence outlined above, the variant was classified as uncertain significance.

Ambry Genetics
Classification: Likely benign for Inborn genetic diseases. Last evaluated: 2021-04-28. Review status: criteria provided, single submitter. Criteria: Ambry Variant Classification Scheme 2023. Collection method: clinical testing. Allele origin: germline.